The following is an entry in ClinVar:

NM_004064.5(CDKN1B):c.398C>G (p.Pro133Arg)

Gene: CDKN1B (cyclin dependent kinase inhibitor 1B; plus strand). Cytogenetic location: 12p13.1.
Variant type: single nucleotide variant.
Coding change: c.398C>G on transcript NM_004064.5 (MANE Select); coding-DNA position 398, C replaced by G.
Protein change: p.Pro133Arg; replaces proline 133 with arginine.
Molecular consequence: missense variant.
Genome position (GRCh38, 1-based): chr12:12,718,237, C>G. VCF-style: chr12-12718237-C-G. GRCh37 (hg19) VCF-style: chr12-12871171-C-G.
Other names: short protein forms P133R.
Identifiers: ClinVar variation 4708599 (VCV004708599.1).
Genomic context (GRCh38, chr12:12,718,237, plus strand): 5'-GCCCGGCGGCGCCTTTAATTGGGGCTCCGGCTAACTCTGAGGACACGCATTTGGTGGACC[C>G]AAAGACTGATCCGTCGGACAGCCAGACGGGGTTAGCGGAGCAATGCGCAGGAATAAGGAA-3'
Protein context (NP_004055.1, residues 123-143): ANSEDTHLVD[Pro133Arg]KTDPSDSQTG

ClinVar aggregate classification (germline): Uncertain significance (1 of 4 stars; one submission).

Conditions:
Multiple endocrine neoplasia type 4. Also called: MULTIPLE ENDOCRINE NEOPLASIA, TYPE IV. Identifiers: Orphanet 276152, MedGen C1970712, MONDO:0012552, OMIM 610755.

Submission:

Labcorp Genetics (formerly Invitae), Labcorp
Classification: Uncertain significance for Multiple endocrine neoplasia type 4. Last evaluated: 2025-06-11. Review status: criteria provided, single submitter. Criteria: Invitae Variant Classification Sherloc (09022015). Collection method: clinical testing. Allele origin: germline.
Comment: This sequence change replaces proline, which is neutral and non-polar, with arginine, which is basic and polar, at codon 133 of the CDKN1B protein (p.Pro133Arg). This variant is not present in population databases (gnomAD no frequency). This variant has not been reported in the literature in individuals affected with CDKN1B-related conditions. An algorithm developed to predict the effect of missense changes on protein structure and function (PolyPhen-2) suggests that this variant is likely to be tolerated. In summary, the available evidence is currently insufficient to determine the role of this variant in disease. Therefore, it has been classified as a Variant of Uncertain Significance.